The following is an entry in ClinVar:

NM_000257.4(MYH7):c.3592G>C (p.Asp1198His)

Gene: MYH7 (myosin heavy chain 7; minus strand). Cytogenetic location: 14q11.2.
Variant type: single nucleotide variant.
Coding change: c.3592G>C on transcript NM_000257.4 (MANE Select); coding-DNA position 3592, G replaced by C.
Protein change: p.Asp1198His; replaces aspartic acid 1198 with histidine.
Molecular consequence: missense variant.
Genome position (GRCh38, 1-based): chr14:23,419,979, C>G on the plus strand (G>C on the coding strand, the complement: MYH7 is on the minus strand). VCF-style: chr14-23419979-C-G. GRCh37 (hg19) VCF-style: chr14-23889188-C-G.
Other names: c.3592G>C, p.Asp1198His (NM_001407004.1); short protein forms D1198H.
Identifiers: ClinVar variation 3893692 (VCV003893692.2).

ClinVar aggregate classification (germline): Uncertain significance (1 of 4 stars; one submission).

Conditions:
Cardiomyopathy (CMYO). Also called: Cardiomyopathies. Identifiers: Orphanet 167848, MedGen C0878544, MONDO:0004994, HP:0001638. Inheritance: Various modes of inheritance.

Submission:

Color Diagnostics, LLC DBA Color Health
Classification: Uncertain significance for Cardiomyopathy. Last evaluated: 2025-11-17. Review status: criteria provided, single submitter. Criteria: ACMG Guidelines, 2015. Collection method: clinical testing. Allele origin: germline.
Comment: This missense variant replaces aspartic acid with histidine at codon 1198 of the MYH7 protein. Computational prediction suggests that this variant may have deleterious impact on protein structure and function. To our knowledge, functional studies have not been reported for this variant. This variant has not been reported in individuals affected with MYH7-related disorders in the literature. This variant has not been identified in the general population by the Genome Aggregation Database (gnomAD). The available evidence is insufficient to determine the role of this variant in disease conclusively. Therefore, this variant is classified as a Variant of Uncertain Significance.